The following is an entry in ClinVar:

ClinVar aggregate classification (germline): Uncertain significance (1 of 4 stars; one submission).

Submission:

Labcorp Genetics (formerly Invitae), Labcorp
Classification: Uncertain significance. Last evaluated: 2024-11-06. Review status: criteria provided, single submitter. Criteria: Invitae Variant Classification Sherloc (09022015). Collection method: clinical testing. Allele origin: germline.
Comment: This sequence change replaces glycine, which is neutral and non-polar, with arginine, which is basic and polar, at codon 962 of the A2ML1 protein (p.Gly962Arg). This variant is not present in population databases (gnomAD no frequency). This variant has not been reported in the literature in individuals affected with A2ML1-related conditions. An algorithm developed to predict the effect of missense changes on protein structure and function (PolyPhen-2) suggests that this variant is likely to be tolerated. In summary, the available evidence is currently insufficient to determine the role of this variant in disease. Therefore, it has been classified as a Variant of Uncertain Significance.

NM_144670.6(A2ML1):c.2884G>C (p.Gly962Arg)

Gene: A2ML1 (alpha-2-macroglobulin like 1; plus strand). Cytogenetic location: 12p13.31.
Variant type: single nucleotide variant.
Coding change: c.2884G>C on transcript NM_144670.6 (MANE Select); coding-DNA position 2884, G replaced by C.
Protein change: p.Gly962Arg; replaces glycine 962 with arginine.
Molecular consequence: missense variant.
Genome position (GRCh38, 1-based): chr12:8,857,199, G>C. VCF-style: chr12-8857199-G-C. GRCh37 (hg19) VCF-style: chr12-9009795-G-C.
Other names: c.1411G>C, p.Gly471Arg (NM_001282424.3); short protein forms G962R, G471R.
Identifiers: ClinVar variation 3677996 (VCV003677996.2).